The following is an entry in ClinVar:

ClinVar aggregate classification (germline): Pathogenic (1 of 4 stars; one submission).

Conditions:
Early-infantile DEE. Also called: Ohtahara syndrome; Early infantile epileptic encephalopathy with suppression bursts; Early infantile epileptic encephalopathy. Identifiers: Orphanet 1934, MedGen C0393706, MONDO:0800491.

Allele frequency attached by ClinVar (database versions not stated): gnomAD exomes below 0.00001.

Submission:

Labcorp Genetics (formerly Invitae), Labcorp
Classification: Pathogenic for Early-infantile DEE. Last evaluated: 2022-04-12. Review status: criteria provided, single submitter. Criteria: Invitae Variant Classification Sherloc (09022015). Collection method: clinical testing. Allele origin: germline.
Comment: For these reasons, this variant has been classified as Pathogenic. This variant has not been reported in the literature in individuals affected with CACNA2D2-related conditions. This variant is not present in population databases (gnomAD no frequency). This sequence change creates a premature translational stop signal (p.Gln79*) in the CACNA2D2 gene. It is expected to result in an absent or disrupted protein product. Loss-of-function variants in CACNA2D2 are known to be pathogenic (PMID: 24358150).

Literature cited by the submitters: PubMed 24358150.

NM_006030.4(CACNA2D2):c.235C>T (p.Gln79Ter)

Gene: CACNA2D2 (calcium voltage-gated channel auxiliary subunit alpha2delta 2; minus strand). Cytogenetic location: 3p21.31.
Variant type: single nucleotide variant.
Coding change: c.235C>T on transcript NM_006030.4 (MANE Select); coding-DNA position 235, C replaced by T.
Protein change: p.Gln79Ter; replaces glutamine 79 with a stop codon.
Molecular consequence: nonsense.
Genome position (GRCh38, 1-based): chr3:50,476,171, G>A on the plus strand (C>T on the coding strand, the complement: CACNA2D2 is on the minus strand). VCF-style: chr3-50476171-G-A. GRCh37 (hg19) VCF-style: chr3-50513602-G-A.
Other names: c.235C>T, p.Gln79Ter (NM_001005505.3, NM_001174051.3, NM_001410768.1); c.28C>T, p.Gln10Ter (NM_001291101.1); short protein forms Q79*, Q10*.
Identifiers: ClinVar variation 1962764 (VCV001962764.5), dbSNP rs2471250712, ClinGen allele CA353002614.
Genomic context (GRCh38, chr3:50,476,171, plus strand): 5'-GGCTCACCTCACGGAGCTGCTGGACGCCTCCAAAAATCCGCATCACGCCGTCGACCTCCT[G>A]CTCCAGACGCCGGGCCCAGTGCTGCATCCTGTATGCAGAGAGAGGAGAGAGGTGTCAGGA-3'